The following is an entry in ClinVar:

ClinVar aggregate classification (germline): Uncertain significance (1 of 4 stars; one submission).

Conditions:
PRPH2-related disorder. Also called: PRPH2-related disorders; PRPH2-related condition. Identifiers: MedGen CN239395.

Submission:

Labcorp Genetics (formerly Invitae), Labcorp
Classification: Uncertain significance for PRPH2-related disorder. Last evaluated: 2020-04-18. Review status: criteria provided, single submitter. Criteria: Invitae Variant Classification Sherloc (09022015). Collection method: clinical testing. Allele origin: germline.
Comment: This sequence change replaces alanine with aspartic acid at codon 116 of the PRPH2 protein (p.Ala116Asp). The alanine residue is moderately conserved and there is a moderate physicochemical difference between alanine and aspartic acid. This variant is not present in population databases (ExAC no frequency). This variant has not been reported in the literature in individuals with PRPH2-related conditions. Algorithms developed to predict the effect of missense changes on protein structure and function are either unavailable or do not agree on the potential impact of this missense change (SIFT: "Deleterious"; PolyPhen-2: "Benign"; Align-GVGD: "Class C0"). In summary, the available evidence is currently insufficient to determine the role of this variant in disease. Therefore, it has been classified as a Variant of Uncertain Significance.

NM_000322.5(PRPH2):c.347C>A (p.Ala116Asp)

Gene: PRPH2 (peripherin 2; minus strand). Cytogenetic location: 6p21.1.
Variant type: single nucleotide variant.
Coding change: c.347C>A on transcript NM_000322.5 (MANE Select); coding-DNA position 347, C replaced by A.
Protein change: p.Ala116Asp; replaces alanine 116 with aspartic acid.
Molecular consequence: missense variant.
Genome position (GRCh38, 1-based): chr6:42,721,988, G>T on the plus strand (C>A on the coding strand, the complement: PRPH2 is on the minus strand). VCF-style: chr6-42721988-G-T. GRCh37 (hg19) VCF-style: chr6-42689726-G-T.
Other names: short protein forms A116D.
Identifiers: ClinVar variation 1021260 (VCV001021260.8), dbSNP rs1365796838, ClinGen allele CA364137750.
Genomic context (GRCh38, chr6:42,721,988, plus strand): 5'-TTCTTGAGCCCTTGGCCCAGGGTGTTCTCCAGCGAGCCCCGAAGCAGAAAGCAGCAGAGA[G>T]CCACAAGGAAGAGGATGATGTTGAAGAGAACACAGATAGCCAGGTACGGCTTCAGCCAGG-3'
Protein context (NP_000313.2, residues 106-126): VLFNIILFLV[Ala116Asp]LCCFLLRGSL